The following is an entry in ClinVar:

NM_004006.3(DMD):c.2899C>A (p.Leu967Ile)

Gene: DMD (dystrophin; minus strand). Cytogenetic location: Xp21.1.
Variant type: single nucleotide variant.
Coding change: c.2899C>A on transcript NM_004006.3 (MANE Select); coding-DNA position 2899, C replaced by A.
Protein change: p.Leu967Ile; replaces leucine 967 with isoleucine.
Molecular consequence: missense variant.
Genome position (GRCh38, 1-based): chrX:32,472,214, G>T on the plus strand (C>A on the coding strand, the complement: DMD is on the minus strand). VCF-style: chrX-32472214-G-T. GRCh37 (hg19) VCF-style: chrX-32490331-G-T.
Other names: c.2875C>A, p.Leu959Ile (NM_000109.4); c.2887C>A, p.Leu963Ile (NM_004009.3); c.2530C>A, p.Leu844Ile (NM_004010.3); short protein forms L844I, L959I, L963I, L967I.
Identifiers: ClinVar variation 4851641 (VCV004851641.1).

ClinVar aggregate classification (germline): Uncertain significance (1 of 4 stars; one submission).

Submission:

Greenwood Genetic Center Diagnostic Laboratories, Greenwood Genetic Center
Classification: Uncertain significance. Last evaluated: 2025-01-31. Review status: criteria provided, single submitter. Criteria: ACMG Guidelines, 2015. Collection method: clinical testing. Allele origin: germline.
Comment: PM2, BP4